The following is an entry in ClinVar:

NM_001365951.3(KIF1B):c.1691A>G (p.Glu564Gly)

Gene: KIF1B (kinesin family member 1B; plus strand). Cytogenetic location: 1p36.22.
Variant type: single nucleotide variant.
Coding change: c.1691A>G on transcript NM_001365951.3 (MANE Select); coding-DNA position 1691, A replaced by G.
Protein change: p.Glu564Gly; replaces glutamic acid 564 with glycine.
Molecular consequence: missense variant.
Genome position (GRCh38, 1-based): chr1:10,295,680, A>G. VCF-style: chr1-10295680-A-G. GRCh37 (hg19) VCF-style: chr1-10355738-A-G.
Other names: c.1691A>G, p.Glu564Gly (NM_001365952.1); c.1553A>G, p.Glu518Gly (NM_001365953.1, NM_015074.3, NM_183416.4); short protein forms E564G, E518G.
Identifiers: ClinVar variation 1775094 (VCV001775094.2), dbSNP rs2521390442, ClinGen allele CA338314801.

ClinVar aggregate classification (germline): Uncertain significance (1 of 4 stars; one submission).

Submission:

Ambry Genetics
Classification: Uncertain significance. Last evaluated: 2021-03-10. Review status: criteria provided, single submitter. Criteria: Ambry Variant Classification Scheme 2023. Collection method: clinical testing. Allele origin: germline.
Comment: The p.E518G variant (also known as c.1553A>G), located in coding exon 16 of the KIF1B gene, results from an A to G substitution at nucleotide position 1553. The glutamic acid at codon 518 is replaced by glycine, an amino acid with similar properties. This amino acid position is well conserved in available vertebrate species. In addition, the in silico prediction for this alteration is inconclusive. Since supporting evidence is limited at this time, the clinical significance of this alteration remains unclear.